The following is an entry in ClinVar:

ClinVar aggregate classification (germline): Conflicting classifications of pathogenicity. Review status: criteria provided, conflicting classifications (1 of 4 stars). 4 submissions from 4 submitters: Uncertain significance (3); Likely benign (1). Last evaluated 2025-05-18.

Conditions:
Cardiovascular phenotype. Identifiers: MedGen CN230736.
Catecholaminergic polymorphic ventricular tachycardia 1. Also called: VENTRICULAR TACHYCARDIA, CATECHOLAMINERGIC POLYMORPHIC, 1, WITH OR WITHOUT ATRIAL DYSFUNCTION AND/OR DILATED CARDIOMYOPATHY; VENTRICULAR TACHYCARDIA, STRESS-INDUCED POLYMORPHIC 1; RYR2-Related Catecholaminergic Polymorphic Ventricular Tachycardia. Identifiers: Orphanet 3286, MedGen C1631597, MONDO:0011484, OMIM 604772.
Cardiomyopathy (CMYO). Also called: Cardiomyopathies. Identifiers: Orphanet 167848, MedGen C0878544, MONDO:0004994, HP:0001638. Inheritance: Various modes of inheritance.

Allele frequency attached by ClinVar (database versions not stated): gnomAD exomes below 0.00001; gnomAD 0.00002 and 0.00003; TOPMed 0.00006.
gnomAD v4.1: 8 of 1,613,756 alleles (0.0005%); highest among the groups gnomAD compares: African/African-American, 0.0093%; no homozygotes.

Submissions (4):

Labcorp Genetics (formerly Invitae), Labcorp
Classification: Uncertain significance for Catecholaminergic polymorphic ventricular tachycardia 1. Last evaluated: 2025-05-18. Review status: criteria provided, single submitter. Criteria: Invitae Variant Classification Sherloc (09022015). Collection method: clinical testing. Allele origin: germline.
Comment: This sequence change replaces threonine, which is neutral and polar, with alanine, which is neutral and non-polar, at codon 1791 of the RYR2 protein (p.Thr1791Ala). This variant is not present in population databases (gnomAD no frequency). This variant has not been reported in the literature in individuals affected with RYR2-related conditions. ClinVar contains an entry for this variant (Variation ID: 959495). Invitae Evidence Modeling of protein sequence and biophysical properties (such as structural, functional, and spatial information, amino acid conservation, physicochemical variation, residue mobility, and thermodynamic stability) indicates that this missense variant is not expected to disrupt RYR2 protein function with a negative predictive value of 95%. In summary, the available evidence is currently insufficient to determine the role of this variant in disease. Therefore, it has been classified as a Variant of Uncertain Significance.

GeneDx
Classification: Uncertain significance. Last evaluated: 2024-07-11. Review status: criteria provided, single submitter. Criteria: GeneDx Variant Classification Process June 2021. Collection method: clinical testing. Allele origin: germline. Affected: yes.
Comment: Has not been previously published as pathogenic or benign to our knowledge; Not observed in large population cohorts (gnomAD); Not located in one of the three hot-spot regions of the RYR2 gene, where the majority of pathogenic missense variants occur (PMID: 19926015); In silico analysis indicates that this missense variant does not alter protein structure/function; This variant is associated with the following publications: (PMID: 19926015)

Color Diagnostics, LLC DBA Color Health
Classification: Uncertain significance for Cardiomyopathy. Last evaluated: 2024-05-15. Review status: criteria provided, single submitter. Criteria: ACMG Guidelines, 2015. Collection method: clinical testing. Allele origin: germline.
Comment: This missense variant replaces threonine with alanine at codon 1791 of the RYR2 protein. Computational prediction suggests that this variant may not impact protein structure and function. To our knowledge, functional studies have not been reported for this variant. This variant has not been reported in individuals affected with RYR2-related disorders in the literature. This variant has not been identified in the general population by the Genome Aggregation Database (gnomAD). The available evidence is insufficient to determine the role of this variant in disease conclusively. Therefore, this variant is classified as a Variant of Uncertain Significance.

Ambry Genetics
Classification: Likely benign for Cardiovascular phenotype. Last evaluated: 2023-11-21. Review status: criteria provided, single submitter. Criteria: Ambry Variant Classification Scheme 2023. Collection method: clinical testing. Allele origin: germline.

NM_001035.3(RYR2):c.5371A>G (p.Thr1791Ala)

Gene: RYR2 (ryanodine receptor 2; plus strand). Cytogenetic location: 1q43.
Variant type: single nucleotide variant.
Coding change: c.5371A>G on transcript NM_001035.3 (MANE Select); coding-DNA position 5371, A replaced by G.
Protein change: p.Thr1791Ala; replaces threonine 1791 with alanine.
Molecular consequence: missense variant.
Genome position (GRCh38, 1-based): chr1:237,614,499, A>G. VCF-style: chr1-237614499-A-G. GRCh37 (hg19) VCF-style: chr1-237777799-A-G.
Other names: short protein forms T1791A.
Identifiers: ClinVar variation 959495 (VCV000959495.15), dbSNP rs1025023837, ClinGen allele CA39828328.